The following is an entry in ClinVar:

NM_000059.4(BRCA2):c.9018C>A (p.Tyr3006Ter)

Gene: BRCA2 (BRCA2 DNA repair associated; plus strand). Cytogenetic location: 13q13.1.
Variant type: single nucleotide variant.
Coding change: c.9018C>A on transcript NM_000059.4 (MANE Select); coding-DNA position 9018, C replaced by A.
Protein change: p.Tyr3006Ter; replaces tyrosine 3006 with a stop codon.
Molecular consequence: nonsense.
Genome position (GRCh38, 1-based): chr13:32,379,814, C>A. VCF-style: chr13-32379814-C-A. GRCh37 (hg19) VCF-style: chr13-32953951-C-A.
Other names: short protein forms Y3006*.
Identifiers: ClinVar variation 52728 (VCV000052728.21), dbSNP rs80359154, ClinGen allele CA025930.

ClinVar aggregate classification (germline): Pathogenic. Review status: reviewed by expert panel (3 of 4 stars). 8 submissions from 8 submitters: Pathogenic (1). 7 of the submissions do not count toward it. Last evaluated 2016-09-08.

Conditions:
Hereditary cancer-predisposing syndrome. Also called: Neoplastic Syndromes, Hereditary; Tumor predisposition; Hereditary neoplastic syndrome; Hereditary Cancer Syndrome. Identifiers: Orphanet 140162, MedGen C0027672, MeSH D009386, MONDO:0015356.
Hereditary breast ovarian cancer syndrome. Also called: Hereditary breast and ovarian cancer syndrome; Hereditary breast and ovarian cancer; Hereditary breast and ovarian cancer syndrome (HBOC); Breast and ovarian cancer; Hereditary breast and/or ovarian cancer syndrome; BRCA1- and BRCA2-Associated Hereditary Breast and Ovarian Cancer. Identifiers: Orphanet 145, MedGen C0677776, MeSH D061325, MONDO:0003582. Disease mechanism: loss of function.
Breast-ovarian cancer, familial, susceptibility to, 2 (BROVCA2). Also called: BRCA2 Hereditary Breast and Ovarian Cancer. Identifiers: Orphanet 145, MedGen C2675520, MONDO:0012933, OMIM 612555. Disease mechanism: loss of function.

Submissions (8):

Evidence-based Network for the Interpretation of Germline Mutant Alleles (ENIGMA)
Classification: Pathogenic for Breast-ovarian cancer, familial, susceptibility to, 2. Last evaluated: 2016-09-08. Review status: reviewed by expert panel. Criteria: ENIGMA BRCA1/2 Classification Criteria (2015). Collection method: curation. Allele origin: germline.
Comment: Variant allele predicted to encode a truncated non-functional protein.

Ambry Genetics
Classification: Pathogenic for Hereditary cancer-predisposing syndrome. Last evaluated: 2024-04-01. Review status: criteria provided, single submitter. Criteria: Ambry Variant Classification Scheme 2023. Collection method: clinical testing. Allele origin: germline. Not counted in ClinVar's aggregate classification.
Comment: The p.Y3006* pathogenic mutation (also known as c.9018C>A), located in coding exon 22 of the BRCA2 gene, results from a C to A substitution at nucleotide position 9018. This changes the amino acid from a tyrosine to a stop codon within coding exon 22. This mutation, also designated as 9246C>A, has been reported in two unrelated Spanish families with breast and ovarian cancer histories (D&iacute;ez O et al. Hum Mutat, 2003 Oct;22:301-12). This variant is considered to be rare based on population cohorts in the Genome Aggregation Database (gnomAD). In addition to the clinical data presented in the literature, this alteration is expected to result in loss of function by premature protein truncation or nonsense-mediated mRNA decay. As such, this alteration is interpreted as a disease-causing mutation.

Color Diagnostics, LLC DBA Color Health
Classification: Pathogenic for Hereditary cancer-predisposing syndrome. Last evaluated: 2022-12-21. Review status: criteria provided, single submitter. Criteria: ACMG Guidelines, 2015. Collection method: clinical testing. Allele origin: germline. Not counted in ClinVar's aggregate classification.
Comment: This variant changes 1 nucleotide in exon 23 of the BRCA2 gene, creating a premature translation stop signal. This variant is also known as 9246C>A in the literature. This variant is expected to result in an absent or non-functional protein product. This variant has been reported in more than 10 individuals affected with breast, ovarian, or pancreatic cancer (PMID: 18176857, 26026974, 29020732, 29673794, 29884136, 32073954, 33471991). This variant has also been reported in several suspected HBOC families, including 19 families among CIMBA participants (PMID: 12955716, 20033483, 29446198). This variant has not been identified in the general population by the Genome Aggregation Database (gnomAD). Loss of BRCA2 function is a known mechanism of disease. Based on the available evidence, this variant is classified as Pathogenic.

Labcorp Genetics (formerly Invitae), Labcorp
Classification: Pathogenic for Hereditary breast ovarian cancer syndrome. Last evaluated: 2021-10-08. Review status: criteria provided, single submitter. Criteria: Invitae Variant Classification Sherloc (09022015). Collection method: clinical testing. Allele origin: germline. Not counted in ClinVar's aggregate classification.
Comment: This premature translational stop signal has been observed in individual(s) with breast and/or ovarian cancer (PMID: 12955716, 18176857, 20033483, 26026974, 29020732, 29446198, 29884136). This sequence change creates a premature translational stop signal (p.Tyr3006*) in the BRCA2 gene. It is expected to result in an absent or disrupted protein product. Loss-of-function variants in BRCA2 are known to be pathogenic (PMID: 20104584). This variant is not present in population databases (ExAC no frequency). This variant is also known as c.9246C>A. ClinVar contains an entry for this variant (Variation ID: 52728). For these reasons, this variant has been classified as Pathogenic.

Women's Health and Genetics/Laboratory Corporation of America, LabCorp
Classification: Pathogenic for Hereditary breast ovarian cancer syndrome. Last evaluated: 2017-05-15. Review status: criteria provided, single submitter. Criteria: LabCorp Variant Classification Summary - May 2015. Collection method: clinical testing. Allele origin: germline. Not counted in ClinVar's aggregate classification.
Comment: Variant summary: The BRCA2 c.9018C>A (p.Tyr3006X) variant results in a premature termination codon, predicted to cause a truncated or absent BRCA2 protein due to nonsense mediated decay, which are commonly known mechanisms for disease. Truncations downstream of this position have been classified as pathogenic by our laboratory (e.g. c.9196C>T, p.Gln3066X; c.9235delG, p.Val3079fsX4; c.9253dupA, p.Thr3085fsX26). One in silico tool predicts a damaging outcome for this variant. This variant is absent in 121016 control chromosomes and has been reported in numerous affected individuals in the literature. In addition, multiple clinical diagnostic laboratories/reputable databases classified this variant as pathogenic. Taken together, this variant is classified as pathogenic.

Genologica Medica
Classification: Pathogenic for Breast-ovarian cancer, familial, susceptibility to, 2. Last evaluated: 2017-01-01. Review status: criteria provided, single submitter. Criteria: ACMG Guidelines, 2015. Collection method: clinical testing. Allele origin: germline. Affected: yes. Not counted in ClinVar's aggregate classification.

Consortium of Investigators of Modifiers of BRCA1/2 (CIMBA), c/o University of Cambridge
Classification: Pathogenic for Breast-ovarian cancer, familial, susceptibility to, 2. Last evaluated: 2015-10-02. Review status: criteria provided, single submitter. Criteria: CIMBA Mutation Classification guidelines May 2016. Collection method: clinical testing. Allele origin: germline. Not counted in ClinVar's aggregate classification.

Breast Cancer Information Core (BIC) (BRCA2)
Classification: Pathogenic for Breast-ovarian cancer, familial 2. Last evaluated: 2003-12-23. Review status: no assertion criteria provided. Collection method: clinical testing. Allele origin: germline. Affected: yes. Observed: 1 variant allele. Not counted in ClinVar's aggregate classification.

Literature cited by the submitters: PubMed 12955716 (cited by 3 submitters); PubMed 18176857 (cited by 3 submitters); PubMed 20033483 (cited by 3 submitters); PubMed 26026974 (cited by Color Diagnostics, LLC DBA Color Health and Labcorp Genetics (formerly Invitae), Labcorp); PubMed 29020732 (cited by Color Diagnostics, LLC DBA Color Health and Labcorp Genetics (formerly Invitae), Labcorp); PubMed 29446198 (cited by Color Diagnostics, LLC DBA Color Health and Labcorp Genetics (formerly Invitae), Labcorp); PubMed 29673794 (cited by Color Diagnostics, LLC DBA Color Health); PubMed 29884136 (cited by Color Diagnostics, LLC DBA Color Health and Labcorp Genetics (formerly Invitae), Labcorp); PubMed 32073954 (cited by Color Diagnostics, LLC DBA Color Health); PubMed 33471991 (cited by Color Diagnostics, LLC DBA Color Health); PubMed 20104584 (cited by Labcorp Genetics (formerly Invitae), Labcorp).